The following is an entry in ClinVar:

ClinVar aggregate classification (germline): Uncertain significance. Review status: criteria provided, multiple submitters, no conflicts (2 of 4 stars). 3 submissions from 3 submitters: Uncertain significance (3). Last evaluated 2023-04-11.

Conditions:
Age related macular degeneration 1 (ARMD1). Also called: MACULOPATHY, AGE-RELATED, 1. Identifiers: MedGen C1864205, MONDO:0011285, OMIM 603075.

Allele frequency attached by ClinVar (database versions not stated): gnomAD 0.00001.
gnomAD v4.1: 1 of 1,612,226 alleles (0.000062%); highest among the groups gnomAD compares: African/African-American, 0.0013%; no homozygotes.

Submissions (3):

Genome-Nilou Lab
Classification: Uncertain significance for Age related macular degeneration 1. Last evaluated: 2023-04-11. Review status: criteria provided, single submitter. Criteria: ACMG Guidelines, 2015. Collection method: clinical testing. Allele origin: germline. Affected: no.

Labcorp Genetics (formerly Invitae), Labcorp
Classification: Uncertain significance. Last evaluated: 2022-11-22. Review status: criteria provided, single submitter. Criteria: Invitae Variant Classification Sherloc (09022015). Collection method: clinical testing. Allele origin: germline.
Comment: In summary, the available evidence is currently insufficient to determine the role of this variant in disease. Therefore, it has been classified as a Variant of Uncertain Significance. Algorithms developed to predict the effect of missense changes on protein structure and function are either unavailable or do not agree on the potential impact of this missense change (SIFT: "Tolerated"; PolyPhen-2: "Probably Damaging"; Align-GVGD: "Class C0"). This variant has not been reported in the literature in individuals affected with HMCN1-related conditions. This variant is not present in population databases (gnomAD no frequency). This sequence change replaces threonine, which is neutral and polar, with serine, which is neutral and polar, at codon 1297 of the HMCN1 protein (p.Thr1297Ser).

Ambry Genetics
Classification: Uncertain significance. Last evaluated: 2022-10-03. Review status: criteria provided, single submitter. Criteria: Ambry Variant Classification Scheme 2023. Collection method: clinical testing. Allele origin: germline.

NM_031935.3(HMCN1):c.3889A>T (p.Thr1297Ser)

Gene: HMCN1 (hemicentin 1; plus strand). Cytogenetic location: 1q31.1.
Variant type: single nucleotide variant.
Coding change: c.3889A>T on transcript NM_031935.3 (MANE Select); coding-DNA position 3889, A replaced by T.
Protein change: p.Thr1297Ser; replaces threonine 1297 with serine.
Molecular consequence: missense variant.
Genome position (GRCh38, 1-based): chr1:186,000,059, A>T. VCF-style: chr1-186000059-A-T. GRCh37 (hg19) VCF-style: chr1-185969191-A-T.
Other names: short protein forms T1297S.
Identifiers: ClinVar variation 1938878 (VCV001938878.7), dbSNP rs971032601, ClinGen allele CA343874039.
Genomic context (GRCh38, chr1:186,000,059, plus strand): 5'-TCTGTTTTTGTTGTAAAATATCACAAGACTTTAATTTCTTATTTAGGTACCCCTAAACCA[A>T]CCATCAAATGGTTACACAATGGTAGAGAGTTGACAGGCAGAGAGCCTGGCATTTCTATCT-3'
Protein context (NP_114141.2, residues 1287-1307): PCPAKGTPKP[Thr1297Ser]IKWLHNGREL